The following is an entry in ClinVar:

NM_020975.6(RET):c.1843G>A (p.Glu615Lys)

Gene: RET (ret proto-oncogene; plus strand). Cytogenetic location: 10q11.21.
Variant type: single nucleotide variant.
Coding change: c.1843G>A on transcript NM_020975.6 (MANE Select); coding-DNA position 1843, G replaced by A.
Protein change: p.Glu615Lys; replaces glutamic acid 615 with lysine.
Molecular consequence: missense variant.
Genome position (GRCh38, 1-based): chr10:43,113,639, G>A. VCF-style: chr10-43113639-G-A. GRCh37 (hg19) VCF-style: chr10-43609087-G-A.
Other names: c.1843G>A, p.Glu615Lys (NM_000323.2, NM_001406743.1, NM_001406744.1 and 6 more transcripts); c.1081G>A, p.Glu361Lys (NM_001355216.2); c.1714G>A, p.Glu572Lys (NM_001406761.1, NM_001406762.1, NM_001406764.1 and 1 more transcripts); c.1555G>A, p.Glu519Lys (NM_001406766.1, NM_001406767.1, NM_001406770.1); c.1447G>A, p.Glu483Lys (NM_001406769.1, NM_001406772.1); c.1405G>A, p.Glu469Lys (NM_001406771.1, NM_001406773.1); c.1318G>A, p.Glu440Lys (NM_001406774.1); c.1117G>A, p.Glu373Lys (NM_001406775.1, NM_001406776.1, NM_001406777.1 and 1 more transcripts); and 5 more; short protein forms E615K, E361K, E220K, E285K, E316K, E483K, E373K, E469K.
Identifiers: ClinVar variation 938077 (VCV000938077.9), dbSNP rs1837995252, ClinGen allele CA376552790.

ClinVar aggregate classification (germline): Uncertain significance. Review status: criteria provided, multiple submitters, no conflicts (2 of 4 stars). 2 submissions from 2 submitters: Uncertain significance (2). Last evaluated 2024-08-13.

Conditions:
Multiple endocrine neoplasia, type 2 (MEN2). Identifiers: Orphanet 653, MedGen C4048306, MONDO:0019003. Disease mechanism: gain of function.

Submissions (2):

All of Us Research Program, National Institutes of Health
Classification: Uncertain significance for Multiple endocrine neoplasia, type 2. Last evaluated: 2024-08-13. Review status: criteria provided, single submitter. Criteria: ACMG Guidelines, 2015. Collection method: clinical testing. Allele origin: germline. Inheritance: Autosomal dominant inheritance. Observed: 1 variant allele, 1 heterozygote.
Comment: This missense variant replaces glutamic acid with lysine at codon 615 of the RET protein. Computational prediction suggests that this variant may not impact protein structure and function. To our knowledge, functional studies have not been reported for this variant. This variant has not been reported in individuals affected with RET-related disorders in the literature. This variant has not been identified in the general population by the Genome Aggregation Database (gnomAD). The available evidence is insufficient to determine the role of this variant in disease conclusively. Therefore, this variant is classified as a Variant of Uncertain Significance.

This study involves interpretation of variants in research participants for the purpose of population health screening. Participant phenotype was not available at the time of variant classification. Additional details can be found in publication PMID: 35346344, PMCID: PMC8962531

Labcorp Genetics (formerly Invitae), Labcorp
Classification: Uncertain significance for Multiple endocrine neoplasia, type 2. Last evaluated: 2021-11-06. Review status: criteria provided, single submitter. Criteria: Invitae Variant Classification Sherloc (09022015). Collection method: clinical testing. Allele origin: germline.
Comment: In summary, the available evidence is currently insufficient to determine the role of this variant in disease. Therefore, it has been classified as a Variant of Uncertain Significance. Algorithms developed to predict the effect of missense changes on protein structure and function output the following: SIFT: "Tolerated"; PolyPhen-2: "Benign"; Align-GVGD: "Class C0". The lysine amino acid residue is found in multiple mammalian species, which suggests that this missense change does not adversely affect protein function. ClinVar contains an entry for this variant (Variation ID: 938077). This variant has not been reported in the literature in individuals affected with RET-related conditions. This variant is not present in population databases (gnomAD no frequency). This sequence change replaces glutamic acid, which is acidic and polar, with lysine, which is basic and polar, at codon 615 of the RET protein (p.Glu615Lys).